The following is an entry in ClinVar:

ClinVar aggregate classification (germline): Uncertain significance (1 of 4 stars; one submission).

Conditions:
Agammaglobulinemia 7, autosomal recessive (AGM7). Also called: AGAMMAGLOBULINEMIA, AUTOSOMAL RECESSIVE, DUE TO PIK3R1 DEFECT. Identifiers: MedGen C3554689, MONDO:0014083, OMIM 615214.
SHORT syndrome. Also called: SHORT STATURE, HYPEREXTENSIBILITY, HERNIA, OCULAR DEPRESSION, RIEGER ANOMALY, AND TEETHING DELAY; LIPODYSTROPHY, PARTIAL, WITH RIEGER ANOMALY AND SHORT STATURE; PIK3R1-Related SHORT Syndrome. Identifiers: Orphanet 3163, MedGen C0878684, MONDO:0010026, OMIM 269880.
Immunodeficiency 36 with lymphoproliferation. Also called: Immunodeficiency 36; Activated PI3K Delta Syndrome Type 2 (APDS2); ACTIVATED PI3K-DELTA SYNDROME 2. Identifiers: Orphanet 397596, Orphanet 693681, MedGen C4014934, MONDO:0014453, OMIM 616005.

Submission:

Labcorp Genetics (formerly Invitae), Labcorp
Classification: Uncertain significance for SHORT syndrome; Immunodeficiency 36 with lymphoproliferation; Agammaglobulinemia 7, autosomal recessive. Last evaluated: 2025-11-15. Review status: criteria provided, single submitter. Criteria: Invitae Variant Classification Sherloc (09022015). Collection method: clinical testing. Allele origin: germline.
Comment: This sequence change replaces arginine, which is basic and polar, with isoleucine, which is neutral and non-polar, at codon 18 of the PIK3R1 protein (p.Arg18Ile). This variant is not present in population databases (gnomAD no frequency). This variant has not been reported in the literature in individuals affected with PIK3R1-related conditions. An algorithm developed to predict the effect of missense changes on protein structure and function (PolyPhen-2) suggests that this variant is likely to be disruptive. In summary, the available evidence is currently insufficient to determine the role of this variant in disease. Therefore, it has been classified as a Variant of Uncertain Significance.

NM_181523.3(PIK3R1):c.53G>T (p.Arg18Ile)

Gene: PIK3R1 (phosphoinositide-3-kinase regulatory subunit 1; plus strand). Cytogenetic location: 5q13.1.
Variant type: single nucleotide variant.
Coding change: c.53G>T on transcript NM_181523.3 (MANE Select); coding-DNA position 53, G replaced by T.
Protein change: p.Arg18Ile; replaces arginine 18 with isoleucine.
Molecular consequence: missense variant.
Genome position (GRCh38, 1-based): chr5:68,226,728, G>T. VCF-style: chr5-68226728-G-T. GRCh37 (hg19) VCF-style: chr5-67522556-G-T.
Other names: short protein forms R18I.
Identifiers: ClinVar variation 4786711 (VCV004786711.1).